The following is an entry in ClinVar:

ClinVar aggregate classification (germline): Uncertain significance (0 of 4 stars; one submission).

Conditions:
KSR2-related disorder. Also called: KSR2-related condition.

gnomAD v4.1: 10 of 1,613,664 alleles (0.00062%); highest among the groups gnomAD compares: African/African-American, 0.0027%; no homozygotes.

Submission:

PreventionGenetics, part of Exact Sciences
Classification: Uncertain significance for KSR2-related condition. Last evaluated: 2024-02-20. Review status: no assertion criteria provided. Collection method: clinical testing. Allele origin: germline.
Comment: The KSR2 c.2038C>T variant is predicted to result in the amino acid substitution p.Arg680Trp. To our knowledge, this variant has not been reported in the literature. This variant is reported in 0.0018% of alleles in individuals of European (Non-Finnish) descent in gnomAD. At this time, the clinical significance of this variant is uncertain due to the absence of conclusive functional and genetic evidence.

NM_173598.6(KSR2):c.2125C>T (p.Arg709Trp)

Gene: KSR2 (kinase suppressor of ras 2; minus strand). Cytogenetic location: 12q24.22.
Variant type: single nucleotide variant.
Coding change: c.2125C>T on transcript NM_173598.6 (MANE Select); coding-DNA position 2125, C replaced by T.
Protein change: p.Arg709Trp; replaces arginine 709 with tryptophan.
Molecular consequence: missense variant.
Genome position (GRCh38, 1-based): chr12:117,524,946, G>A on the plus strand (C>T on the coding strand, the complement: KSR2 is on the minus strand). VCF-style: chr12-117524946-G-A. GRCh37 (hg19) VCF-style: chr12-117962751-G-A.
Other names: short protein forms R709W.
Identifiers: ClinVar variation 3352189 (VCV003352189.1).
Genomic context (GRCh38, chr12:117,524,946, plus strand): 5'-AGGCACCCATGAAAAGCACCACGTTCTCATGCCGTGTCTGCCTGTAGGCCATCACCTCCC[G>A]CTTGAAGGCCTTGAGCTGGTCCTCGTTGTCCCTCTCAATGTCAATCAGCCGGATGGCCAC-3'
Protein context (NP_775869.4, residues 699-719): DNEDQLKAFK[Arg709Trp]EVMAYRQTRH